The following is an entry in ClinVar:

ClinVar aggregate classification (germline): Likely pathogenic (1 of 4 stars; one submission).

Conditions:
Hereditary spastic paraplegia 73. Also called: Spastic paraplegia 73, autosomal dominant. Identifiers: Orphanet 444099, MedGen C5568981, MONDO:0014568, OMIM 616282.

Allele frequency attached by ClinVar (database versions not stated): gnomAD 0.00001; gnomAD exomes 0.00001; ExAC 0.00003; 1000 Genomes Project 30x 0.00031; 1000 Genomes Project 0.00040.

Submission:

Human Genetics Bochum, Ruhr University Bochum
Classification: Likely pathogenic for Hereditary spastic paraplegia 73. Last evaluated: 2023-11-13. Review status: criteria provided, single submitter. Criteria: ACMG Guidelines, 2015. Collection method: clinical testing. Allele origin: germline. Affected: yes.
Comment: ACMG criteria used to clasify this variant: PVS1

NM_001199753.2(CPT1C):c.1045C>T (p.Arg349Ter)

Gene: CPT1C (carnitine palmitoyltransferase 1C; plus strand). Cytogenetic location: 19q13.33.
Variant type: single nucleotide variant.
Coding change: c.1045C>T on transcript NM_001199753.2 (MANE Select); coding-DNA position 1045, C replaced by T.
Protein change: p.Arg349Ter; replaces arginine 349 with a stop codon.
Molecular consequence: nonsense. On other transcripts: non-coding transcript variant (1).
Genome position (GRCh38, 1-based): chr19:49,705,989, C>T. VCF-style: chr19-49705989-C-T. GRCh37 (hg19) VCF-style: chr19-50209246-C-T.
Other names: c.1012C>T, p.Arg338Ter (NM_001136052.3, NM_001378485.1, NM_001378487.1); c.1045C>T, p.Arg349Ter (NM_001199752.3, NM_001378483.1, NM_001378484.1 and 3 more transcripts); c.1111C>T, p.Arg371Ter (NM_001378482.1); short protein forms R338*, R349*, R371*.
Identifiers: ClinVar variation 3027450 (VCV003027450.1), dbSNP rs566644989, ClinGen allele CA9582062.